The following is an entry in ClinVar:

ClinVar aggregate classification (germline): Uncertain significance (1 of 4 stars; one submission).

Allele frequency attached by ClinVar (database versions not stated): gnomAD 0.00001; gnomAD exomes 0.00001; TOPMed 0.00001.
gnomAD v4.1: 24 of 1,613,932 alleles (0.0015%); highest among the groups gnomAD compares: Middle Eastern, 0.016%; no homozygotes.

Submission:

Labcorp Genetics (formerly Invitae), Labcorp
Classification: Uncertain significance. Last evaluated: 2024-08-30. Review status: criteria provided, single submitter. Criteria: Invitae Variant Classification Sherloc (09022015). Collection method: clinical testing. Allele origin: germline.
Comment: This sequence change replaces alanine, which is neutral and non-polar, with valine, which is neutral and non-polar, at codon 1638 of the MYH3 protein (p.Ala1638Val). This variant is present in population databases (no rsID available, gnomAD 0.003%). This variant has not been reported in the literature in individuals affected with MYH3-related conditions. ClinVar contains an entry for this variant (Variation ID: 2196727). Invitae Evidence Modeling of protein sequence and biophysical properties (such as structural, functional, and spatial information, amino acid conservation, physicochemical variation, residue mobility, and thermodynamic stability) indicates that this missense variant is not expected to disrupt MYH3 protein function with a negative predictive value of 95%. In summary, the available evidence is currently insufficient to determine the role of this variant in disease. Therefore, it has been classified as a Variant of Uncertain Significance.

NM_002470.4(MYH3):c.4913C>T (p.Ala1638Val)

Gene: MYH3 (myosin heavy chain 3; minus strand). Cytogenetic location: 17p13.1.
Variant type: single nucleotide variant.
Coding change: c.4913C>T on transcript NM_002470.4 (MANE Select); coding-DNA position 4913, C replaced by T.
Protein change: p.Ala1638Val; replaces alanine 1638 with valine.
Molecular consequence: missense variant.
Genome position (GRCh38, 1-based): chr17:10,632,519, G>A on the plus strand (C>T on the coding strand, the complement: MYH3 is on the minus strand). VCF-style: chr17-10632519-G-A. GRCh37 (hg19) VCF-style: chr17-10535836-G-A.
Other names: short protein forms A1638V.
Identifiers: ClinVar variation 2196727 (VCV002196727.4), dbSNP rs1316332773, ClinGen allele CA398136273.
Genomic context (GRCh38, chr17:10,632,519, plus strand): 5'-GATGGGTTCTCTCAAACCTTCAGCTGTCCCTGGACACTCCTGAGGTGTTTGAGGGTCTCC[G>A]CCGCCTGGCGGTTGGCGTGGCTCAGCTGGATCTCGATTTCATTCAGGTCCCCCTCCATCT-3'
Protein context (NP_002461.2, residues 1628-1648): IQLSHANRQA[Ala1638Val]ETLKHLRSVQ